The following is an entry in ClinVar:

NM_016562.4(TLR7):c.2481C>T (p.Ser827=)

Gene: TLR7 (toll like receptor 7; plus strand). Cytogenetic location: Xp22.2.
Variant type: single nucleotide variant.
Coding change: c.2481C>T on transcript NM_016562.4 (MANE Select); coding-DNA position 2481, C replaced by T.
Protein change: p.Ser827=; no amino-acid change (serine 827 retained).
Molecular consequence: synonymous variant.
Genome position (GRCh38, 1-based): chrX:12,887,989, C>T. VCF-style: chrX-12887989-C-T. GRCh37 (hg19) VCF-style: chrX-12906108-C-T.
Identifiers: ClinVar variation 4281025 (VCV004281025.7).

ClinVar aggregate classification (germline): Likely benign (1 of 4 stars; one submission).

gnomAD v4.1: 5 of 1,209,447 alleles (0.00041%); highest among the groups gnomAD compares: Non-Finnish European, 0.00034%; no homozygotes.

Submission:

CeGaT Center for Human Genetics Tuebingen
Classification: Likely benign. Last evaluated: 2025-09-01. Review status: criteria provided, single submitter. Criteria: CeGaT Center For Human Genetics Tuebingen Variant Classification Criteria Version 2. Collection method: clinical testing. Allele origin: germline. Affected: yes. Observed: 1 variant allele.
Comment: TLR7: BP4, BP7